The following is an entry in ClinVar:

NM_000222.3(KIT):c.1737T>A (p.Asp579Glu)

Gene: KIT (KIT proto-oncogene, receptor tyrosine kinase; plus strand). Cytogenetic location: 4q12.
Variant type: single nucleotide variant.
Coding change: c.1737T>A on transcript NM_000222.3 (MANE Select); coding-DNA position 1737, T replaced by A.
Protein change: p.Asp579Glu; replaces aspartic acid 579 with glutamic acid.
Molecular consequence: missense variant.
Genome position (GRCh38, 1-based): chr4:54,727,505, T>A. VCF-style: chr4-54727505-T-A. GRCh37 (hg19) VCF-style: chr4-55593671-T-A.
Other names: c.1725T>A, p.Asp575Glu (NM_001093772.2, NM_001385286.1); c.1740T>A, p.Asp580Glu (NM_001385284.1, NM_001385290.1); c.1737T>A, p.Asp579Glu (NM_001385285.1); c.1728T>A, p.Asp576Glu (NM_001385288.1, NM_001385292.1); short protein forms D575E, D579E, D576E, D580E.
Identifiers: ClinVar variation 658363 (VCV000658363.9), dbSNP rs773366034, ClinGen allele CA2923566.

ClinVar aggregate classification (germline): Uncertain significance (1 of 4 stars; one submission).

Conditions:
Gastrointestinal stromal tumor. Also called: Gastrointestinal stromal tumor, somatic; Gastrointestinal stroma tumor. Identifiers: Orphanet 44890, MedGen C0238198, MeSH D046152, MONDO:0011719, OMIM 606764, HP:0100723.

Allele frequency attached by ClinVar (database versions not stated): gnomAD exomes below 0.00001; ExAC 0.00001.
gnomAD v4.1: 1 of 1,614,082 alleles (0.000062%); highest among the groups gnomAD compares: South Asian, 0.0011%; no homozygotes.

Submission:

Labcorp Genetics (formerly Invitae), Labcorp
Classification: Uncertain significance for Gastrointestinal stromal tumor. Last evaluated: 2024-05-22. Review status: criteria provided, single submitter. Criteria: Invitae Variant Classification Sherloc (09022015). Collection method: clinical testing. Allele origin: germline.
Comment: This sequence change replaces aspartic acid, which is acidic and polar, with glutamic acid, which is acidic and polar, at codon 579 of the KIT protein (p.Asp579Glu). This variant is present in population databases (rs773366034, gnomAD 0.003%). This variant has not been reported in the literature in individuals affected with KIT-related conditions. ClinVar contains an entry for this variant (Variation ID: 658363). An algorithm developed to predict the effect of missense changes on protein structure and function (PolyPhen-2) suggests that this variant is likely to be tolerated. In summary, the available evidence is currently insufficient to determine the role of this variant in disease. Therefore, it has been classified as a Variant of Uncertain Significance.